The following is an entry in ClinVar:

NM_003038.5(SLC1A4):c.864C>T (p.Ile288=)

Gene: SLC1A4 (solute carrier family 1 member 4; plus strand). Cytogenetic location: 2p14.
Variant type: single nucleotide variant.
Coding change: c.864C>T on transcript NM_003038.5 (MANE Select); coding-DNA position 864, C replaced by T.
Protein change: p.Ile288=; no amino-acid change (isoleucine 288 retained).
Molecular consequence: synonymous variant. On other transcripts: intron variant (1).
Genome position (GRCh38, 1-based): chr2:65,016,503, C>T. VCF-style: chr2-65016503-C-T. GRCh37 (hg19) VCF-style: chr2-65243637-C-T.
Other names: c.204C>T, p.Ile68= (NM_001348406.2, NM_001348407.2); c.141-1568C>T (NM_001193493.2).
Identifiers: ClinVar variation 2651005 (VCV002651005.28), dbSNP rs202237988, ClinGen allele CA1686000.

ClinVar aggregate classification (germline): Likely benign. Review status: criteria provided, multiple submitters, no conflicts (2 of 4 stars). 3 submissions from 3 submitters: Likely benign (3). Last evaluated 2025-12-08.

Allele frequency attached by ClinVar (database versions not stated): gnomAD exomes 0.00005; ExAC 0.00007; gnomAD 0.00008; TOPMed 0.00008; ESP Exome Variant Server 0.00015.
gnomAD v4.1: 88 of 1,614,112 alleles (0.0055%); highest among the groups gnomAD compares: African/African-American, 0.021%; no homozygotes.

Submissions (3):

Labcorp Genetics (formerly Invitae), Labcorp
Classification: Likely benign. Last evaluated: 2025-12-08. Review status: criteria provided, single submitter. Criteria: Invitae Variant Classification Sherloc (09022015). Collection method: clinical testing. Allele origin: germline.

Blueprint Genetics
Classification: Likely benign. Last evaluated: 2024-09-24. Review status: criteria provided, single submitter. Criteria: ACMG Guidelines, 2015. Collection method: clinical testing. Allele origin: germline.

CeGaT Center for Human Genetics Tuebingen
Classification: Likely benign. Last evaluated: 2023-09-01. Review status: criteria provided, single submitter. Criteria: CeGaT Center For Human Genetics Tuebingen Variant Classification Criteria Version 2. Collection method: clinical testing. Allele origin: germline. Affected: yes. Observed: 1 variant allele.
Comment: SLC1A4: BP4, BP7